The following is an entry in ClinVar:

ClinVar aggregate classification (germline): Uncertain significance (1 of 4 stars; one submission).

Conditions:
Dystonia 12 (DYT12). Also called: Rapid-Onset Dystonia-Parkinsonism (RDP); DYT-ATP1A3. Identifiers: Orphanet 71517, MedGen C1868681, MONDO:0007496, OMIM 128235.

Submission:

Labcorp Genetics (formerly Invitae), Labcorp
Classification: Uncertain significance for Dystonia 12. Last evaluated: 2024-11-18. Review status: criteria provided, single submitter. Criteria: Invitae Variant Classification Sherloc (09022015). Collection method: clinical testing. Allele origin: germline.
Comment: This sequence change replaces histidine, which is basic and polar, with arginine, which is basic and polar, at codon 656 of the ATP1A3 protein (p.His656Arg). This variant is not present in population databases (gnomAD no frequency). This variant has not been reported in the literature in individuals affected with ATP1A3-related conditions. Invitae Evidence Modeling of protein sequence and biophysical properties (such as structural, functional, and spatial information, amino acid conservation, physicochemical variation, residue mobility, and thermodynamic stability) indicates that this missense variant is expected to disrupt ATP1A3 protein function with a positive predictive value of 95%. In summary, the available evidence is currently insufficient to determine the role of this variant in disease. Therefore, it has been classified as a Variant of Uncertain Significance.

NM_152296.5(ATP1A3):c.1967A>G (p.His656Arg)

Gene: ATP1A3 (ATPase Na+/K+ transporting subunit alpha 3; minus strand). Cytogenetic location: 19q13.2.
Variant type: single nucleotide variant.
Coding change: c.1967A>G on transcript NM_152296.5 (MANE Select); coding-DNA position 1967, A replaced by G.
Protein change: p.His656Arg; replaces histidine 656 with arginine.
Molecular consequence: missense variant.
Genome position (GRCh38, 1-based): chr19:41,976,543, T>C on the plus strand (A>G on the coding strand, the complement: ATP1A3 is on the minus strand). VCF-style: chr19-41976543-T-C. GRCh37 (hg19) VCF-style: chr19-42480695-T-C.
Other names: c.2000A>G, p.His667Arg (NM_001256213.2); c.2006A>G, p.His669Arg (NM_001256214.2); short protein forms H656R, H667R, H669R.
Identifiers: ClinVar variation 3636263 (VCV003636263.2).